The following is an entry in ClinVar:

ClinVar aggregate classification (germline): Likely pathogenic (1 of 4 stars; one submission).

Allele frequency attached by ClinVar (database versions not stated): gnomAD exomes below 0.00001.
gnomAD v4.1: 3 of 1,613,622 alleles (0.00019%); highest among the groups gnomAD compares: Non-Finnish European, 0.00025%; no homozygotes.

Submission:

GeneDx
Classification: Likely pathogenic. Last evaluated: 2015-11-02. Review status: criteria provided, single submitter. Criteria: GeneDx Variant Classification (06012015). Collection method: clinical testing. Allele origin: germline. Affected: yes.
Comment: The W279X variant in the SPTA1 gene has not been reported previously as a pathogenic variant nor as a benign variant, to our knowledge. This variant is predicted to cause loss of normal protein function either through protein truncation or nonsense-mediated mRNA decay. The W279X variant was not observed in approximately 6200 individuals of European and African American ancestry in the NHLBI Exome Sequencing Project, indicating it is not a common benign variant in these populations. The W279X variant is a strong candidate for a pathogenic variant; however the possibility it may be a rare benign variant cannot be excluded.

NM_003126.4(SPTA1):c.836G>A (p.Trp279Ter)

Gene: SPTA1 (spectrin alpha, erythrocytic 1; minus strand). Cytogenetic location: 1q23.1.
Variant type: single nucleotide variant.
Coding change: c.836G>A on transcript NM_003126.4 (MANE Select); coding-DNA position 836, G replaced by A.
Protein change: p.Trp279Ter; replaces tryptophan 279 with a stop codon.
Molecular consequence: nonsense.
Genome position (GRCh38, 1-based): chr1:158,677,811, C>T on the plus strand (G>A on the coding strand, the complement: SPTA1 is on the minus strand). VCF-style: chr1-158677811-C-T. GRCh37 (hg19) VCF-style: chr1-158647601-C-T.
Other names: short protein forms W279*.
Identifiers: ClinVar variation 430165 (VCV000430165.2), dbSNP rs1131691810, ClinGen allele CA343019286.